The following is an entry in ClinVar:

ClinVar aggregate classification (germline): Uncertain significance. Review status: criteria provided, multiple submitters, no conflicts (2 of 4 stars). 2 submissions from 2 submitters: Uncertain significance (2). Last evaluated 2024-08-19.

Conditions:
Inborn genetic diseases. Identifiers: MedGen C0950123, MeSH D030342.

Allele frequency attached by ClinVar (database versions not stated): gnomAD exomes below 0.00001 and 0.00001; gnomAD 0.00001; TOPMed 0.00002; ExAC 0.00003.
gnomAD v4.1: 5 of 1,190,961 alleles (0.00042%); highest among the groups gnomAD compares: South Asian, 0.0018%; no homozygotes.

Submissions (2):

Ambry Genetics
Classification: Uncertain significance for Inborn genetic diseases. Last evaluated: 2024-08-19. Review status: criteria provided, single submitter. Criteria: Ambry Variant Classification Scheme 2023. Collection method: clinical testing. Allele origin: germline.

Labcorp Genetics (formerly Invitae), Labcorp
Classification: Uncertain significance. Last evaluated: 2019-10-24. Review status: criteria provided, single submitter. Criteria: Invitae Variant Classification Sherloc (09022015). Collection method: clinical testing. Allele origin: germline.
Comment: Algorithms developed to predict the effect of missense changes on protein structure and function are either unavailable or do not agree on the potential impact of this missense change (SIFT: "Deleterious"; PolyPhen-2: "Probably Damaging"; Align-GVGD: "Class C65"). In summary, the available evidence is currently insufficient to determine the role of this variant in disease. Therefore, it has been classified as a Variant of Uncertain Significance. This variant has not been reported in the literature in individuals with XK-related conditions. This variant is present in population databases (rs781856258, ExAC 0.005%). This sequence change replaces arginine with tryptophan at codon 138 of the XK protein (p.Arg138Trp). The arginine residue is highly conserved and there is a moderately physicochemical difference between arginine and tryptophan.

NM_021083.4(XK):c.412C>T (p.Arg138Trp)

Gene: XK (X-linked Kx blood group antigen, Kell and VPS13A binding protein; plus strand). Cytogenetic location: Xp21.1.
Variant type: single nucleotide variant.
Coding change: c.412C>T on transcript NM_021083.4 (MANE Select); coding-DNA position 412, C replaced by T.
Protein change: p.Arg138Trp; replaces arginine 138 with tryptophan.
Molecular consequence: missense variant.
Genome position (GRCh38, 1-based): chrX:37,694,452, C>T. VCF-style: chrX-37694452-C-T. GRCh37 (hg19) VCF-style: chrX-37553705-C-T.
Other names: c.412C>T (NM_021083.2); short protein forms R138W.
Identifiers: ClinVar variation 970168 (VCV000970168.11), dbSNP rs781856258, ClinGen allele CA10383545.
Genomic context (GRCh38, chrX:37,694,452, plus strand): 5'-ATTGAGAAGGAGGTGGGCCAGGCAGAAGGCAAACTAATCACCCACCGATCAGCGTTCAGC[C>T]GGGCGTCGGTGATCCAGGCTTTCTTGGGCTCAGCCCCCCAGCTGACCCTACAGCTGTACA-3'
Protein context (NP_066569.1, residues 128-148): KLITHRSAFS[Arg138Trp]ASVIQAFLGS